The following is an entry in ClinVar:

NM_000322.5(PRPH2):c.750C>A (p.Cys250Ter)

Gene: PRPH2 (peripherin 2; minus strand). Cytogenetic location: 6p21.1.
Variant type: single nucleotide variant.
Coding change: c.750C>A on transcript NM_000322.5 (MANE Select); coding-DNA position 750, C replaced by A.
Protein change: p.Cys250Ter; replaces cysteine 250 with a stop codon.
Molecular consequence: nonsense.
Genome position (GRCh38, 1-based): chr6:42,704,443, G>T on the plus strand (C>A on the coding strand, the complement: PRPH2 is on the minus strand). VCF-style: chr6-42704443-G-T. GRCh37 (hg19) VCF-style: chr6-42672181-G-T.
Other names: short protein forms C250*.
Identifiers: ClinVar variation 1458691 (VCV001458691.6), dbSNP rs2152005243, ClinGen allele CA364134971.

ClinVar aggregate classification (germline): Pathogenic (1 of 4 stars; one submission).

Conditions:
PRPH2-related disorder. Also called: PRPH2-related condition; PRPH2-related disorders. Identifiers: MedGen CN239395.

Submission:

Labcorp Genetics (formerly Invitae), Labcorp
Classification: Pathogenic for PRPH2-related disorder. Last evaluated: 2021-11-04. Review status: criteria provided, single submitter. Criteria: Invitae Variant Classification Sherloc (09022015). Collection method: clinical testing. Allele origin: germline.
Comment: This sequence change creates a premature translational stop signal (p.Cys250*) in the PRPH2 gene. It is expected to result in an absent or disrupted protein product. Loss-of-function variants in PRPH2 are known to be pathogenic (PMID: 8111389, 8485575, 8485576, 8675410, 16916875, 17504850, 25675413, 26061163, 27365499, 29555955). For these reasons, this variant has been classified as Pathogenic. This variant has not been reported in the literature in individuals affected with PRPH2-related conditions. This variant is not present in population databases (gnomAD no frequency).

Literature cited by the submitters: PubMed 8111389; PubMed 8485575; PubMed 8485576; PubMed 8675410; PubMed 16916875; PubMed 17504850; PubMed 25675413; PubMed 26061163; PubMed 27365499; PubMed 29555955.